The following is an entry in ClinVar:

NM_000540.3(RYR1):c.10019-2dup

Gene: RYR1 (ryanodine receptor 1; plus strand). Cytogenetic location: 19q13.2.
Variant type: Duplication.
Coding change: c.10019-2dup on transcript NM_000540.3 (MANE Select); the canonical splice acceptor site of the intron before coding-DNA position 10019, one base duplicated (A; older notation c.10019-2dupA).
Molecular consequence: splice acceptor variant.
Genome position (GRCh38, 1-based): chr19:38,519,212, A duplicated. VCF-style (leftmost placement, unchanged base first): chr19-38519211-C-CA. GRCh37 (hg19) VCF-style: chr19-39009851-C-CA.
Other names: c.10019-2dup (NM_001042723.2); c.10019-2dupA (NM_000540.3).
Identifiers: ClinVar variation 4537268 (VCV004537268.2).

ClinVar aggregate classification (germline): Uncertain significance. Review status: criteria provided, multiple submitters, no conflicts (2 of 4 stars). 2 submissions from 2 submitters: Uncertain significance (2). Last evaluated 2025-11-20.

Conditions:
RYR1-related disorder. Also called: RYR1-related condition; RYR1-related disorders. Identifiers: MedGen CN239331.

Submissions (2):

Women's Health and Genetics/Laboratory Corporation of America, LabCorp
Classification: Uncertain significance. Last evaluated: 2025-11-20. Review status: criteria provided, single submitter. Criteria: LabCorp Variant Classification Summary - May 2015. Collection method: clinical testing. Allele origin: germline.
Comment: Variant summary: RYR1 c.10019-2dupA alters a conserved nucleotide located close to a canonical splice site and therefore could affect mRNA splicing, leading to a significantly altered protein sequence. Several computational tools predict a significant impact on normal splicing: Two predict the variant abolishes a 3' acceptor site and one predicts the variant weakens a 3' acceptor site. However, these predictions have yet to be confirmed by functional studies. The variant allele was found at a frequency of 3.2e-05 in 250450 control chromosomes. The available data on variant occurrences in the general population are insufficient to allow any conclusion about variant significance. To our knowledge, no occurrence of c.10019-2dupA in individuals affected with RYR1-related conditions and no experimental evidence demonstrating its impact on protein function have been reported. No submitters have cited clinical-significance assessments for this variant to ClinVar. Based on the evidence outlined above, the variant was classified as uncertain significance.

Labcorp Genetics (formerly Invitae), Labcorp
Classification: Uncertain significance for RYR1-related disorder. Last evaluated: 2025-04-20. Review status: criteria provided, single submitter. Criteria: Invitae Variant Classification Sherloc (09022015). Collection method: clinical testing. Allele origin: germline.
Comment: This sequence change falls in intron 66 of the RYR1 gene. It does not directly change the encoded amino acid sequence of the RYR1 protein. It affects a nucleotide within the consensus splice site. This variant is present in population databases (rs758982648, gnomAD 0.02%). This variant has not been reported in the literature in individuals affected with RYR1-related conditions. Variants that disrupt the consensus splice site are a relatively common cause of aberrant splicing (PMID: 17576681, 9536098). Algorithms developed to predict the effect of sequence changes on RNA splicing suggest that this variant may disrupt the consensus splice site. In summary, the available evidence is currently insufficient to determine the role of this variant in disease. Therefore, it has been classified as a Variant of Uncertain Significance.

Literature cited by the submitters: PubMed 17576681 (cited by Labcorp Genetics (formerly Invitae), Labcorp); PubMed 9536098 (cited by Labcorp Genetics (formerly Invitae), Labcorp).